The following is an entry in ClinVar:

ClinVar aggregate classification (germline): Pathogenic. Review status: criteria provided, single submitter (1 of 4 stars). 3 submissions from 3 submitters: Pathogenic (1). 2 of the submissions do not count toward it. Last evaluated 2020-02-18.

Conditions:
Ichthyosis bullosa of Siemens (IBS). Also called: Superficial epidermolytic ichthyosis. Identifiers: Orphanet 455, MedGen C0432306, MONDO:0007813, OMIM 146800.

Submissions (3):

GeneDx
Classification: Pathogenic. Last evaluated: 2020-02-18. Review status: criteria provided, single submitter. Criteria: GeneDx Variant Classification Process June 2021. Collection method: clinical testing. Allele origin: germline. Affected: yes.
Comment: Located in the helix initiation motif that is intolerant of change; keratin gene variants affecting the residues at the ends of the central rod domains of the keratin proteins (helix initiation and termination motifs) interfere with proper keratin intermediate filament assembly and function, resulting in skin fragility and/or hyperkeratosis (Chamcheu et al., 2011); In silico analysis supports that this missense variant has a deleterious effect on protein structure/function; Not observed in large population cohorts (Lek et al., 2016); This variant is associated with the following publications: (PMID: 11531804, 25979451, 26581228)

OMIM
Classification: Pathogenic for ICHTHYOSIS BULLOSA OF SIEMENS. Last evaluated: 2001-08-01. Review status: no assertion criteria provided. Collection method: literature only. Allele origin: germline. Not counted in ClinVar's aggregate classification.

Epithelial Biology;  Institute of Medical Biology, Singapore
No classification provided. Review status: no classification provided. Collection method: not provided. Allele origin: not provided. Not counted in ClinVar's aggregate classification.

Literature cited by the submitters: PubMed 11531804 (cited by OMIM).

NM_000423.3(KRT2):c.558C>A (p.Asn186Lys)

Gene: KRT2 (keratin 2; minus strand). Cytogenetic location: 12q13.13.
Variant type: single nucleotide variant.
Coding change: c.558C>A on transcript NM_000423.3 (MANE Select); coding-DNA position 558, C replaced by A.
Protein change: p.Asn186Lys; replaces asparagine 186 with lysine.
Molecular consequence: missense variant.
Genome position (GRCh38, 1-based): chr12:52,651,585, G>T on the plus strand (C>A on the coding strand, the complement: KRT2 is on the minus strand). VCF-style: chr12-52651585-G-T. GRCh37 (hg19) VCF-style: chr12-53045369-G-T.
Other names: N192K; short protein forms N186K.
Identifiers: ClinVar variation 9316 (VCV000009316.3), dbSNP rs137852632, ClinGen allele CA120297.